The following is an entry in ClinVar:

ClinVar aggregate classification (germline): Conflicting classifications of pathogenicity. Review status: criteria provided, conflicting classifications (1 of 4 stars). 2 submissions from 2 submitters: Uncertain significance (1); Likely benign (1). Last evaluated 2023-10-01.

Allele frequency attached by ClinVar (database versions not stated): ExAC 0.00002; gnomAD exomes 0.00004; TOPMed 0.00006; gnomAD 0.00009.
gnomAD v4.1: 69 of 1,613,460 alleles (0.0043%); highest among the groups gnomAD compares: Non-Finnish European, 0.0058%; no homozygotes.

Submissions (2):

CeGaT Center for Human Genetics Tuebingen
Classification: Likely benign. Last evaluated: 2023-10-01. Review status: criteria provided, single submitter. Criteria: CeGaT Center For Human Genetics Tuebingen Variant Classification Criteria Version 2. Collection method: clinical testing. Allele origin: germline. Affected: yes. Observed: 1 variant allele.
Comment: BMPER: BP7

Labcorp Genetics (formerly Invitae), Labcorp
Classification: Uncertain significance. Last evaluated: 2022-10-13. Review status: criteria provided, single submitter. Criteria: Invitae Variant Classification Sherloc (09022015). Collection method: clinical testing. Allele origin: germline.
Comment: This sequence change affects codon 468 of the BMPER mRNA. It is a 'silent' change, meaning that it does not change the encoded amino acid sequence of the BMPER protein. This variant is present in population databases (rs576645032, gnomAD 0.005%). This variant has not been reported in the literature in individuals affected with BMPER-related conditions. Algorithms developed to predict the effect of sequence changes on RNA splicing suggest that this variant may disrupt the consensus splice site. In summary, the available evidence is currently insufficient to determine the role of this variant in disease. Therefore, it has been classified as a Variant of Uncertain Significance.

NM_001365308.1(BMPER):c.1404A>G (p.Lys468=)

Gene: BMPER (BMP binding endothelial regulator; plus strand). Cytogenetic location: 7p14.3.
Variant type: single nucleotide variant.
Coding change: c.1404A>G on transcript NM_001365308.1 (MANE Select); coding-DNA position 1404, A replaced by G.
Protein change: p.Lys468=; no amino-acid change (lysine 468 retained).
Molecular consequence: synonymous variant. On other transcripts: intron variant (1).
Genome position (GRCh38, 1-based): chr7:34,079,182, A>G. VCF-style: chr7-34079182-A-G. GRCh37 (hg19) VCF-style: chr7-34118794-A-G.
Other names: c.1404A>G, p.Lys468= (NM_133468.5); c.1079-6574A>G (NM_001410872.1).
Identifiers: ClinVar variation 2063399 (VCV002063399.25), dbSNP rs576645032, ClinGen allele CA4215385.